The following is an entry in ClinVar:

NM_000080.4(CHRNE):c.1071GCC[4] (p.Pro360dup)

Genes: CHRNE (cholinergic receptor nicotinic epsilon subunit; minus strand), LOC130060041 (ATAC-STARR-seq lymphoblastoid silent region 8050; plus strand). Cytogenetic location: 17p13.2.
Variant type: Microsatellite.
Coding change: c.1071GCC[4] on transcript NM_000080.4 (MANE Select); four copies in a row of the 3-base unit GCC starting at c.1071; the reference has three copies in a row; one copy, 3 bases duplicated; also written c.1077_1079dup.
Protein change: p.Pro360dup; duplicates proline 360.
Molecular consequence: inframe insertion.
Genome position (GRCh38, 1-based): chr17:4,899,338-4,899,340, GGC duplicated on the plus strand (GCC on the coding strand, the reverse complement: CHRNE is on the minus strand); duplicating any 3 consecutive bases within chr17:4,899,338-4,899,348 gives the same sequence; the position shown is the placement nearest the transcript's 3' end. VCF-style (leftmost placement, unchanged base first): chr17-4899337-G-GGGC. GRCh37 (hg19) VCF-style: chr17-4802632-G-GGGC.
Other names: c.1077_1079dup (NM_000080.4); c.1077_1079dupGCC (NM_000080.4).
Identifiers: ClinVar variation 465852 (VCV000465852.17), dbSNP rs752226476, ClinGen allele CA8314028.

ClinVar aggregate classification (germline): Uncertain significance. Review status: criteria provided, multiple submitters, no conflicts (2 of 4 stars). 8 submissions from 8 submitters: Uncertain significance (7). 1 of the submissions does not count toward it. Last evaluated 2026-01-22.

Conditions:
CHRNE-related disorder. Also called: CHRNE-related condition.
Congenital myasthenic syndrome 4A. Also called: Myasthenic syndrome, congenital, 4a, slow-channel; CONGENITAL MYASTHENIC SYNDROME TYPE Ia1; MYASTHENIC SYNDROME, CONGENITAL, 4A, SLOW-CHANNEL, AUTOSOMAL RECESSIVE. Identifiers: Orphanet 590, MedGen C4225413, MONDO:0011600, OMIM 605809.
Congenital myasthenic syndrome 4C (CMS4C). Also called: Myasthenic syndrome, congenital, associated with acetylcholine receptor deficiency. Identifiers: Orphanet 590, MedGen C1837091, MONDO:0012157, OMIM 608931.
Congenital myasthenic syndrome 4B. Also called: Myasthenic syndrome, congenital, 4b, fast-channel. Identifiers: Orphanet 590, MedGen C4225369, MONDO:0014586, OMIM 616324.
Congenital myasthenic syndrome (CMS). Also called: Congenital Myasthenic Syndromes. Identifiers: Orphanet 590, MedGen C0751882, MeSH D020294, MONDO:0018940.

Submissions (8):

PreventionGenetics, part of Exact Sciences
Classification: Uncertain significance for CHRNE-related condition. Last evaluated: 2026-01-22. Review status: criteria provided, single submitter. Criteria: ACMG Guidelines, 2015. Collection method: clinical testing. Allele origin: germline.
Comment: The CHRNE c.1077_1079dupGCC variant is predicted to result in an in-frame duplication (p.Pro360dup). To our knowledge, this variant has not been reported in the literature. This variant is reported in 0.11% of alleles in individuals of Ashkenazi Jewish descent in gnomAD. At this time, the clinical significance of this variant is uncertain due to the absence of conclusive functional and genetic evidence.

Labcorp Genetics (formerly Invitae), Labcorp
Classification: Uncertain significance for Congenital myasthenic syndrome 4A. Last evaluated: 2025-01-28. Review status: criteria provided, single submitter. Criteria: Invitae Variant Classification Sherloc (09022015). Collection method: clinical testing. Allele origin: germline.
Comment: This variant, c.1077_1079dup, results in the insertion of 1 amino acid(s) of the CHRNE protein (p.Pro360dup), but otherwise preserves the integrity of the reading frame. This variant is present in population databases (rs752226476, gnomAD 0.1%). This variant has not been reported in the literature in individuals affected with CHRNE-related conditions. ClinVar contains an entry for this variant (Variation ID: 465852). In summary, the available evidence is currently insufficient to determine the role of this variant in disease. Therefore, it has been classified as a Variant of Uncertain Significance.

Revvity Omics, Revvity
Classification: Uncertain significance. Last evaluated: 2025-01-23. Review status: criteria provided, single submitter. Criteria: ACMG Guidelines, 2015. Collection method: clinical testing. Allele origin: germline.

GeneDx
Classification: Uncertain significance. Last evaluated: 2024-04-23. Review status: criteria provided, single submitter. Criteria: GeneDx Variant Classification Process June 2021. Collection method: clinical testing. Allele origin: germline. Affected: yes.
Comment: In-frame insertion of 1 amino acids in a non-repeat region; Has not been previously published as pathogenic or benign to our knowledge

Department of Pathology and Laboratory Medicine, Sinai Health System
Classification: Uncertain significance for congenital myasthenic syndrome. Last evaluated: 2022-04-14. Review status: criteria provided, single submitter. Criteria: ACMG Guidelines, 2015. Collection method: research. Allele origin: germline.

Fulgent Genetics
Classification: Uncertain significance for Congenital myasthenic syndrome 4A; Congenital myasthenic syndrome 4C; Congenital myasthenic syndrome 4B. Last evaluated: 2021-07-28. Review status: criteria provided, single submitter. Criteria: ACMG Guidelines, 2015. Collection method: clinical testing. Allele origin: unknown.

Eurofins Ntd Llc (ga)
Classification: Uncertain significance. Last evaluated: 2015-11-13. Review status: criteria provided, single submitter. Criteria: EGL Classification Definitions. Collection method: clinical testing. Allele origin: germline. Observed: 2 variant alleles, 2 heterozygotes.

Natera, Inc.
Classification: Uncertain significance for Congenital myasthenic syndrome. Last evaluated: 2020-01-17. Review status: no assertion criteria provided. Collection method: clinical testing. Allele origin: germline. Not counted in ClinVar's aggregate classification.